The following is an entry in ClinVar:

NM_001323289.2(CDKL5):c.1944+2T>G

Gene: CDKL5 (cyclin dependent kinase like 5; plus strand). Cytogenetic location: Xp22.13.
Variant type: single nucleotide variant.
Coding change: c.1944+2T>G on transcript NM_001323289.2 (MANE Select); the canonical splice donor site of the intron after coding-DNA position 1944, T replaced by G.
Molecular consequence: splice donor variant.
Genome position (GRCh38, 1-based): chrX:18,604,870, T>G. VCF-style: chrX-18604870-T-G. GRCh37 (hg19) VCF-style: chrX-18622990-T-G.
Other names: c.1944+2T>G (NM_003159.3, NM_001037343.2).
Identifiers: ClinVar variation 156687 (VCV000156687.2), dbSNP rs587783155, ClinGen allele CA294759.

ClinVar aggregate classification (germline): Pathogenic (1 of 4 stars; one submission).

Submission:

GeneDx
Classification: Pathogenic. Last evaluated: 2012-03-12. Review status: criteria provided, single submitter. Criteria: GeneDx Variant Classification (06012015). Collection method: clinical testing. Allele origin: germline. Affected: yes.
Comment: The c.1944+2 T>G splice site mutation in the CDKL5 gene destroys the canonical splice donor site in intron 12. It is predicted to cause abnormal gene splicing, either leading to an abnormal message that is subject to nonsense-mediated mRNA decay, or to an abnormal protein product if the message is used for protein translation. Although this mutation has not been previously reported to our knowledge, its presence is consistent with the diagnosis of a CDKL5-related disorder. The variant is found in EPILEPSY panel(s).